The following is an entry in ClinVar:

ClinVar aggregate classification (germline): Conflicting classifications of pathogenicity. Review status: criteria provided, conflicting classifications (1 of 4 stars). 3 submissions from 3 submitters: Uncertain significance (1); Benign (1); Likely benign (1). Last evaluated 2026-09-16.

Submissions (3):

GeneDx
Classification: Uncertain significance. Last evaluated: 2026-09-16. Review status: criteria provided, single submitter. Criteria: GeneDx Variant Classification Process June 2021. Collection method: clinical testing. Allele origin: germline.
Comment: Has not been previously published as pathogenic or benign to our knowledge; In silico analysis is inconclusive as to whether the variant alters gene splicing. In the absence of RNA/functional studies, the actual effect of this sequence change is unknown.

Labcorp Genetics (formerly Invitae), Labcorp
Classification: Benign. Last evaluated: 2026-01-28. Review status: criteria provided, single submitter. Criteria: Invitae Variant Classification Sherloc (09022015). Collection method: clinical testing. Allele origin: germline.

Blueprint Genetics
Classification: Likely benign. Last evaluated: 2024-06-20. Review status: criteria provided, single submitter. Criteria: ACMG Guidelines, 2015. Collection method: clinical testing. Allele origin: germline.

NM_024120.5(NDUFAF5):c.779-18_779-13del

Gene: NDUFAF5 (NADH:ubiquinone oxidoreductase complex assembly factor 5; plus strand). Cytogenetic location: 20p12.1.
Variant type: Deletion.
Coding change: c.779-18_779-13del on transcript NM_024120.5 (MANE Select); 18 bases into the intron before coding-DNA position 779 through 13 bases into the intron before coding-DNA position 779, 6 bases deleted (CCTGTA; older notation c.779-18_779-13delCCTGTA).
Molecular consequence: intron variant.
Genome position (GRCh38, 1-based): chr20:13,816,445-13,816,450, CCTGTA deleted; deleting any 6 consecutive bases within chr20:13,816,443-13,816,450 gives the same sequence; the c. name uses the placement nearest the transcript's 3' end. VCF-style (leftmost placement, unchanged base first): chr20-13816442-CTACCTG-C. GRCh37 (hg19) VCF-style: chr20-13797088-CTACCTG-C.
Other names: c.218-18_218-13del (NM_001352407.2, NM_001352406.2); c.695-18_695-13del (NM_001039375.3); c.308-18_308-13del (NM_001352403.2).
Identifiers: ClinVar variation 1655856 (VCV001655856.12), dbSNP rs570143443, ClinGen allele CA9767886.